The following is an entry in ClinVar:

ClinVar aggregate classification (germline): Pathogenic/Likely pathogenic. Review status: criteria provided, multiple submitters, no conflicts (2 of 4 stars). 4 submissions from 4 submitters: Pathogenic (3); Likely pathogenic (1). Last evaluated 2026-06-02.

Conditions:
Retinitis pigmentosa (RP). Identifiers: Orphanet 791, MedGen C0035334, MeSH D012174, MONDO:0019200, OMIM 268000. Inheritance: Autosomal dominant, autosomal recessive and X linked inheritance.
Retinitis pigmentosa 11 (RP11). Identifiers: Orphanet 791, MedGen C1838601, MONDO:0010828, OMIM 600138.

Submissions (4):

Victorian Clinical Genetics Services, Murdoch Childrens Research Institute
Classification: Pathogenic for Retinitis pigmentosa 11. Last evaluated: 2026-06-02. Review status: criteria provided, single submitter. Criteria: ACMG Guidelines, 2015. Collection method: clinical testing. Allele origin: germline. Affected: yes.
Comment: This variant is classified as Pathogenic. Evidence in support of pathogenic classification: Splice site variant proven to affect splicing of the transcript with uncertain effect on protein sequence. RT-PCR on RNA isolated from patient blood and cell lines support the use of an upstream cryptic donor splice site; however, data was not available to confirm the effect on the protein (PMID: 38184646, 18177735); Variant is absent from gnomAD (v2, v3 and v4); This variant has strong previous evidence of pathogenicity in unrelated individuals. This variant has been classified as pathogenic and likely pathogenic by clinical laboratories in ClinVar, and reported in the literature in individuals with retinal disease, including once as de novo (PMIDs: 38184646, 34198599, 18177735); Another splice site variant comparable to the one identified in this case has limited previous evidence for pathogenicity. c.-9+1G>A has been classified as likely pathogenic by a clinical laboratory in ClinVar, and is reported in the literature an in individual with inherited retinal disease (PMID: 36084042). Additional information: This variant is heterozygous; This gene is associated with autosomal dominant disease; Loss of function is a known mechanism of disease in this gene and is associated with retinitis pigmentosa 11 (MIM#600138); The condition associated with this gene has incomplete penetrance (OMIM, PMID: 32014492); Variants in this gene are known to have variable expressivity. Intrafamilial variability of disease severity has been reported (OMIM, PMID: 32014492); Inheritance information for this variant is not currently available in this individual.

3billion
Classification: Pathogenic for Retinitis pigmentosa 11. Last evaluated: 2025-07-09. Review status: criteria provided, single submitter. Criteria: ACMG Guidelines, 2015. Collection method: clinical testing. Allele origin: germline. Affected: yes.
Comment: The variant is not observed in the gnomAD v4.1.0 dataset. Predicted Consequence/Location: Canonical splice site: predicted to alter splicing and result in a loss or disruption of normal protein function. Multiple pathogenic loss-of-function variants are reported downstream of the variant. In silico tools predict the variant to alter splicing and produce an abnormal transcript [SpliceAI: 1.00 (spliceogenicity >=0.2, non-spliceogenicity <0.1)]. The variant has been reported at least twice as pathogenic without evidence for the classification (ClinVar ID: VCV002691898 /PMID: 18177735 /3billion dataset). Therefore, this variant is classified as Pathogenic according to the recommendation of ACMG/AMP guideline.

GeneDx
Classification: Pathogenic. Last evaluated: 2025-03-20. Review status: criteria provided, single submitter. Criteria: GeneDx Variant Classification Process June 2021. Collection method: clinical testing. Allele origin: germline.
Comment: No data available from control populations to assess the frequency of this variant; In silico analysis supports a deleterious effect on splicing; This variant is associated with the following publications: (PMID: 18177735, 38184646, 34198599, 34680937)

Institute of Medical Genetics and Applied Genomics, University Hospital Tübingen
Classification: Likely pathogenic for Retinitis pigmentosa. Last evaluated: 2024-02-06. Review status: criteria provided, single submitter. Criteria: ACMG Guidelines, 2015. Collection method: clinical testing. Allele origin: germline. Inheritance: Autosomal dominant inheritance. Affected: yes.

Literature cited by the submitters: PubMed 32014492 (cited by Victorian Clinical Genetics Services, Murdoch Childrens Research Institute); PubMed 18177735 (cited by Victorian Clinical Genetics Services, Murdoch Childrens Research Institute and 3billion); PubMed 36084042 (cited by Victorian Clinical Genetics Services, Murdoch Childrens Research Institute); PubMed 38184646 (cited by Victorian Clinical Genetics Services, Murdoch Childrens Research Institute); PubMed 34198599 (cited by Victorian Clinical Genetics Services, Murdoch Childrens Research Institute).

NM_015629.4(PRPF31):c.-9+1G>T

Genes: PRPF31 (pre-mRNA processing factor 31; plus strand), PRPF31-AS1 (PRPF31 antisense RNA 1; minus strand), TFPT (TCF3 fusion partner; minus strand). Cytogenetic location: 19q13.42.
Variant type: single nucleotide variant.
Coding change: c.-9+1G>T on transcript NM_015629.4 (MANE Select); the canonical splice donor site of the intron after 9 bases upstream of the start codon, G replaced by T.
Molecular consequence: splice donor variant.
Genome position (GRCh38, 1-based): chr19:54,115,798, G>T. VCF-style: chr19-54115798-G-T. GRCh37 (hg19) VCF-style: chr19-54619178-G-T.
Identifiers: ClinVar variation 2691898 (VCV002691898.6), dbSNP rs2146380786, ClinGen allele CA2587001006.
Genomic context (GRCh38, chr19:54,115,798, plus strand): 5'-AGAGTGAGACGTCATCGGTGAGCGACTAACGCTAGAAACAGTGGTGCGCGGAGAGGAGAG[G>T]TGAGTGTGATGGGGACCACGGGGAGCGGGAGGCTGGGCTCCTGGGTCTGGGAGAAGAAGT-3'